The following is an entry in ClinVar:

ClinVar aggregate classification (germline): Uncertain significance (1 of 4 stars; one submission).

Conditions:
Congenital adrenal hypoplasia, X-linked (AHC). Also called: Isolated X-Linked Adrenal Hypoplasia Congenita; X-linked AHC; X-Linked Adrenal Hypoplasia Congenita; ADRENAL HYPOPLASIA, CONGENITAL, WITH HYPOGONADOTROPIC HYPOGONADISM. Identifiers: Orphanet 95702, MedGen C0342482, MONDO:0010264, OMIM 300200. Disease mechanism: loss of function.
46,XY sex reversal 2. Also called: NR0B1-Related 46,XY CGD; NR0B1-related 46,XY complete gonadal dysgenesis; Dosage-sensitive sex reversal; 46XY sex reversal 2, dosage-sensitive; 46,XY SEX REVERSAL, DAX1-RELATED. Identifiers: MedGen C1848296, MONDO:0010226, OMIM 300018.

Submission:

Labcorp Genetics (formerly Invitae), Labcorp
Classification: Uncertain significance for Congenital adrenal hypoplasia, X-linked; 46,XY sex reversal 2. Last evaluated: 2025-03-13. Review status: criteria provided, single submitter. Criteria: Invitae Variant Classification Sherloc (09022015). Collection method: clinical testing. Allele origin: germline.
Comment: This sequence change replaces arginine, which is basic and polar, with serine, which is neutral and polar, at codon 174 of the NR0B1 protein (p.Arg174Ser). This variant is not present in population databases (gnomAD no frequency). This variant has not been reported in the literature in individuals affected with NR0B1-related conditions. Invitae Evidence Modeling of protein sequence and biophysical properties (such as structural, functional, and spatial information, amino acid conservation, physicochemical variation, residue mobility, and thermodynamic stability) indicates that this missense variant is not expected to disrupt NR0B1 protein function with a negative predictive value of 80%. In summary, the available evidence is currently insufficient to determine the role of this variant in disease. Therefore, it has been classified as a Variant of Uncertain Significance.

NM_000475.5(NR0B1):c.520C>A (p.Arg174Ser)

Gene: NR0B1 (nuclear receptor subfamily 0 group B member 1; minus strand). Cytogenetic location: Xp21.2.
Variant type: single nucleotide variant.
Coding change: c.520C>A on transcript NM_000475.5 (MANE Select); coding-DNA position 520, C replaced by A.
Protein change: p.Arg174Ser; replaces arginine 174 with serine.
Molecular consequence: missense variant.
Genome position (GRCh38, 1-based): chrX:30,308,844, G>T on the plus strand (C>A on the coding strand, the complement: NR0B1 is on the minus strand). VCF-style: chrX-30308844-G-T. GRCh37 (hg19) VCF-style: chrX-30326961-G-T.
Other names: short protein forms R174S.
Identifiers: ClinVar variation 4782593 (VCV004782593.1).
Genomic context (GRCh38, chrX:30,308,844, plus strand): 5'-CCGTGGCCCGCCCGCCTGGTAGCGCCTCTTTACCCCCTGGCCTCTGCGCGAAGTAGGAGC[G>T]GTCCCACCACGCGCCCCCTGGCCGTGCCTCGGGCGCTGCCGGAGCCACGTGCGTTTGCTT-3'
Protein context (NP_000466.2, residues 164-184): EARPGGAWWD[Arg174Ser]SYFAQRPGGK